The following is an entry in ClinVar:

NM_001267550.2(TTN):c.86009T>C (p.Ile28670Thr)

Genes: TTN-AS1 (TTN antisense RNA 1; plus strand), TTN (titin; minus strand). Cytogenetic location: 2q31.2.
Variant type: single nucleotide variant.
Coding change: c.86009T>C on transcript NM_001267550.2 (MANE Select); coding-DNA position 86009, T replaced by C.
Protein change: p.Ile28670Thr; replaces isoleucine 28670 with threonine.
Molecular consequence: missense variant.
Genome position (GRCh38, 1-based): chr2:178,560,123, A>G on the plus strand (T>C on the coding strand, the complement: TTN is on the minus strand). VCF-style: chr2-178560123-A-G. GRCh37 (hg19) VCF-style: chr2-179424850-A-G.
Other names: c.58814T>C, p.Ile19605Thr (NM_003319.4); c.78305T>C, p.Ile26102Thr (NM_133378.4); c.59189T>C, p.Ile19730Thr (NM_133432.3); c.81086T>C, p.Ile27029Thr (NM_001256850.1); c.59390T>C, p.Ile19797Thr (NM_133437.4); short protein forms I19605T, I19730T, I19797T, I26102T, I27029T, I28670T.
Identifiers: ClinVar variation 973879 (VCV000973879.1), dbSNP rs1703105655, ClinGen allele CA349547032.

ClinVar aggregate classification (germline): Uncertain significance (1 of 4 stars; one submission).

Conditions:
Autosomal recessive limb-girdle muscular dystrophy type 2J (LGMDR10). Also called: Limb-girdle muscular dystrophy, type 2J; MUSCULAR DYSTROPHY, LIMB-GIRDLE, AUTOSOMAL RECESSIVE 10. Identifiers: Orphanet 140922, MedGen C1837342, MONDO:0012127, OMIM 608807.

Allele frequency attached by ClinVar (database versions not stated): gnomAD exomes below 0.00001; gnomAD 0.00001.
gnomAD v4.1: 2 of 1,613,554 alleles (0.00012%); highest among the groups gnomAD compares: Non-Finnish European, 0.00017%; no homozygotes.

Submission:

Johns Hopkins Genomics, Johns Hopkins University
Classification: Uncertain significance for Autosomal recessive limb-girdle muscular dystrophy type 2J. Last evaluated: 2020-02-15. Review status: criteria provided, single submitter. Criteria: ACMG Guidelines, 2015. Collection method: clinical testing. Allele origin: germline.
Comment: c.86009T>C (p.Ile28670Thr) has not been reported in ClinVar nor the literature, to our knowledge. This variant is absent from large population datasets. Of two bioinformatics tools queried, one predicts that this amino acid substitution would be benign, while one predicts that it would be deleterious. The amino acid residue at this position is evolutionarily conserved across most mammals and birds, but a threonine is substituted at this position in platypus9. This missense variant is located in the Fibronectrin-3 (Fn3) repeat in the A-band of TTN3. Due to insufficient evidence, we consider the clinical significance of c.86009T>C to be uncertain at this time.

Literature cited by the submitters: PubMed 24105469; PubMed 24980681; PubMed 27854229; PubMed 29691892.